The following is an entry in ClinVar:

NM_000553.6(WRN):c.2792G>A (p.Gly931Glu)

Gene: WRN (WRN RecQ like helicase; plus strand). Cytogenetic location: 8p12.
Variant type: single nucleotide variant.
Coding change: c.2792G>A on transcript NM_000553.6 (MANE Select); coding-DNA position 2792, G replaced by A.
Protein change: p.Gly931Glu; replaces glycine 931 with glutamic acid.
Molecular consequence: missense variant.
Genome position (GRCh38, 1-based): chr8:31,124,967, G>A. VCF-style: chr8-31124967-G-A. GRCh37 (hg19) VCF-style: chr8-30982483-G-A.
Other names: short protein forms G931E.
Identifiers: ClinVar variation 958402 (VCV000958402.1), dbSNP rs1380038998, ClinGen allele CA370917757.

ClinVar aggregate classification (germline): Uncertain significance (1 of 4 stars; one submission).

Conditions:
Werner syndrome (WRN). Identifiers: Orphanet 902, MedGen C0043119, MONDO:0010196, OMIM 277700.

Allele frequency attached by ClinVar (database versions not stated): TOPMed below 0.00001.

Submission:

Labcorp Genetics (formerly Invitae), Labcorp
Classification: Uncertain significance for Werner syndrome. Last evaluated: 2019-11-08. Review status: criteria provided, single submitter. Criteria: Invitae Variant Classification Sherloc (09022015). Collection method: clinical testing. Allele origin: germline.
Comment: This sequence change replaces glycine with glutamic acid at codon 931 of the WRN protein (p.Gly931Glu). The glycine residue is highly conserved and there is a moderate physicochemical difference between glycine and glutamic acid. This variant is not present in population databases (ExAC no frequency). This variant has not been reported in the literature in individuals with WRN-related conditions. Algorithms developed to predict the effect of missense changes on protein structure and function are either unavailable or do not agree on the potential impact of this missense change (SIFT: "Deleterious"; PolyPhen-2: "Benign"; Align-GVGD: "Class C0"). In summary, the available evidence is currently insufficient to determine the role of this variant in disease. Therefore, it has been classified as a Variant of Uncertain Significance.